The following is an entry in ClinVar:

NM_020631.6(PLEKHG5):c.2485G>T (p.Asp829Tyr)

Gene: PLEKHG5 (pleckstrin homology and RhoGEF domain containing G5; minus strand). Cytogenetic location: 1p36.31.
Variant type: single nucleotide variant.
Coding change: c.2485G>T on transcript NM_020631.6 (MANE Select); coding-DNA position 2485, G replaced by T.
Protein change: p.Asp829Tyr; replaces aspartic acid 829 with tyrosine.
Molecular consequence: missense variant.
Genome position (GRCh38, 1-based): chr1:6,468,351, C>A on the plus strand (G>T on the coding strand, the complement: PLEKHG5 is on the minus strand). VCF-style: chr1-6468351-C-A. GRCh37 (hg19) VCF-style: chr1-6528411-C-A.
Other names: c.2596G>T, p.Asp866Tyr (NM_001042663.3, NM_001265592.2); c.2485G>T, p.Asp829Tyr (NM_001042664.2, NM_001042665.2, NM_001265594.3 and 1 more transcripts); c.2692G>T, p.Asp898Tyr (NM_001265593.2); short protein forms D829Y, D898Y, D866Y.
Identifiers: ClinVar variation 297941 (VCV000297941.22), dbSNP rs200162521, ClinGen allele CA561148.

ClinVar aggregate classification (germline): Conflicting classifications of pathogenicity. Review status: criteria provided, conflicting classifications (1 of 4 stars). 6 submissions from 6 submitters: Uncertain significance (2); Likely benign (3). 1 of the submissions does not count toward it. Last evaluated 2026-01-26.

Conditions:
Inborn genetic diseases. Identifiers: MedGen C0950123, MeSH D030342.
Neuronopathy, distal hereditary motor, autosomal recessive 4. Also called: NEUROPATHY, DISTAL HEREDITARY MOTOR, AUTOSOMAL RECESSIVE 4; Autosomal recessive lower motor neuron disease with childhood onset. Identifiers: Orphanet 206580, MedGen C1970211, MONDO:0012608, OMIM 611067.
PLEKHG5-related disorder. Also called: PLEKHG5-related condition.
Charcot-Marie-Tooth disease recessive intermediate C. Also called: CHARCOT-MARIE-TOOTH NEUROPATHY, RECESSIVE INTERMEDIATE C. Identifiers: Orphanet 369867, MedGen C3809309, MONDO:0014154, OMIM 615376.

Allele frequency attached by ClinVar (database versions not stated): gnomAD 0.00004 and 0.00008; TOPMed 0.00010; gnomAD exomes 0.00013 and 0.00025; 1000 Genomes Project 0.00020; 1000 Genomes Project 30x 0.00031; ExAC 0.00038.
gnomAD v4.1: 203 of 1,609,390 alleles (0.013%); highest among the groups gnomAD compares: East Asian, 0.27%; 1 homozygote.

Submissions (6):

Labcorp Genetics (formerly Invitae), Labcorp
Classification: Likely benign for Neuronopathy, distal hereditary motor, autosomal recessive 4; Charcot-Marie-Tooth disease recessive intermediate C. Last evaluated: 2026-01-26. Review status: criteria provided, single submitter. Criteria: Invitae Variant Classification Sherloc (09022015). Collection method: clinical testing. Allele origin: germline.

PreventionGenetics, part of Exact Sciences
Classification: Likely benign for PLEKHG5-related condition. Last evaluated: 2025-07-16. Review status: criteria provided, single submitter. Criteria: ACMG Guidelines, 2015. Collection method: clinical testing. Allele origin: germline.
Comment: This variant is classified as likely benign based on ACMG/AMP sequence variant interpretation guidelines (Richards et al. 2015 PMID: 25741868, with internal and published modifications).

Ambry Genetics
Classification: Uncertain significance for Inborn genetic diseases. Last evaluated: 2025-07-15. Review status: criteria provided, single submitter. Criteria: Ambry Variant Classification Scheme 2023. Collection method: clinical testing. Allele origin: germline.

GeneDx
Classification: Uncertain significance. Last evaluated: 2025-01-29. Review status: criteria provided, single submitter. Criteria: GeneDx Variant Classification Process June 2021. Collection method: clinical testing. Allele origin: germline. Affected: yes.
Comment: Reported previously in a family with autism who also harbored multiple variants in other genes; however, no further clinical information was provided and it was not clear which family members harbored which variants (PMID: 36199823); In silico analysis supports that this missense variant has a deleterious effect on protein structure/function; This variant is associated with the following publications: (PMID: 36199823)

Illumina Laboratory Services, Illumina
Classification: Likely benign for Neuronopathy, distal hereditary motor, autosomal recessive 4. Last evaluated: 2018-01-13. Review status: criteria provided, single submitter. Criteria: ICSL Variant Classification Criteria 13 December 2019. Collection method: clinical testing. Allele origin: germline.
Comment: This variant was observed in the ICSL laboratory as part of a predisposition screen in an ostensibly healthy population. It had not been previously curated by ICSL or reported in the Human Gene Mutation Database (HGMD: prior to June 1st, 2018), and was therefore a candidate for classification through an automated scoring system. Utilizing variant allele frequency, disease prevalence and penetrance estimates, and inheritance mode, an automated score was calculated to assess if this variant is too frequent to cause the disease. Based on the score and internal cut-off values, a variant classified as likely benign is not then subjected to further curation. The score for this variant resulted in a classification of likely benign for this disease.

Department of Pathology and Laboratory Medicine, Sinai Health System
Classification: Uncertain significance. Review status: no assertion criteria provided. Collection method: clinical testing. Allele origin: unknown. Affected: yes. Study: The Canadian Open Genetics Repository (COGR). Not counted in ClinVar's aggregate classification.
Comment: The PLEKHG5 p.Asp829Tyr variant was not identified in the literature nor was it identified in Cosmic or LOVD 3.0. The variant was identified in dbSNP (ID: rs200162521) and in ClinVar (classified as a VUS by GeneDx and Illumina). The variant was also identified in control databases in 61 of 268188 chromosomes at a frequency of 0.000227 (Genome Aggregation Database Feb 27, 2017). The variant was observed in the following populations: East Asian in 43 of 19174 chromosomes (freq: 0.002243), South Asian in 14 of 29770 chromosomes (freq: 0.00047), Latino in 1 of 34158 chromosomes (freq: 0.000029) and European (non-Finnish) in 3 of 121270 chromosomes (freq: 0.000025); it was not observed in the African, Ashkenazi Jewish, European (Finnish), and Other populations. The p.Asp829 residue is conserved in mammals but not in more distantly related organisms, and four out of five computational analyses (PolyPhen-2, SIFT, BLOSUM, MutationTaster) suggest that the variant may impact the protein; however, this information is not predictive enough to assume pathogenicity. The variant occurs outside of the splicing consensus sequence and 3 of 4 in silico or computational prediction software programs (MaxEntScan, NNSPLICE, GeneSplicer) predict a greater than 10% difference in splicing and the creation of a new 3' splice site. However, this information is not predictive enough to assume pathogenicity. In summary, based on the above information the clinical significance of this variant cannot be determined with certainty at this time. This variant is classified as a variant of uncertain significance.